The following is an entry in ClinVar:

ClinVar aggregate classification (germline): Uncertain significance (1 of 4 stars; one submission).

Conditions:
Developmental delay with autism spectrum disorder and gait instability (MRT38). Also called: Intellectual developmental disorder, autosomal recessive 38. Identifiers: Orphanet 329195, MedGen C3809753, MONDO:0014224, OMIM 615516.

Submission:

Victorian Clinical Genetics Services, Murdoch Childrens Research Institute
Classification: Uncertain significance for Developmental delay with autism spectrum disorder and gait instability. Last evaluated: 2019-08-28. Review status: criteria provided, single submitter. Criteria: ACMG Guidelines, 2015. Collection method: clinical testing. Allele origin: germline. Inheritance: Autosomal recessive inheritance.
Comment: A heterozygous missense variant, NM_004667.5(HERC2):c.9113A>G, has been identified in exon 59 of 93 of the HERC2 gene. The variant is predicted to result in a minor amino acid change from glutamine to arginine at position 3038 of the protein (NP_004658.3(HERC2):p.(Gln3038Arg)). The glutamine residue at this position has very high conservation (100 vertebrates, UCSC), and is located within the RCC1 2-2 repeat region. In silico predictions of pathogenicity for this variant are conflicting (Polyphen, SIFT, CADD, Mutation Taster). The variant is absent in population databases (gnomAD) and has not been previously reported in clinical cases. Based on the information available at the time of curation, this variant has been classified as a VARIANT of UNCERTAIN SIGNIFICANCE (VUS).

NM_004667.6(HERC2):c.9113A>G (p.Gln3038Arg)

Gene: HERC2 (HECT and RLD domain containing E3 ubiquitin protein ligase 2; minus strand). Cytogenetic location: 15q13.1.
Variant type: single nucleotide variant.
Coding change: c.9113A>G on transcript NM_004667.6 (MANE Select); coding-DNA position 9113, A replaced by G.
Protein change: p.Gln3038Arg; replaces glutamine 3038 with arginine.
Molecular consequence: missense variant.
Genome position (GRCh38, 1-based): chr15:28,178,937, T>C on the plus strand (A>G on the coding strand, the complement: HERC2 is on the minus strand). VCF-style: chr15-28178937-T-C. GRCh37 (hg19) VCF-style: chr15-28424083-T-C.
Other names: short protein forms Q3038R.
Identifiers: ClinVar variation 1805474 (VCV001805474.1), dbSNP rs534398599, ClinGen allele CA391387080.